The following is an entry in ClinVar:

ClinVar aggregate classification (germline): Uncertain significance (1 of 4 stars; one submission).

Conditions:
Hirschsprung disease, susceptibility to, 1 (HSCR1). Also called: RET-Related Hirschsprung Disease. Identifiers: Orphanet 388, MedGen C3888239, MONDO:0007723, OMIM 142623.

Submission:

MVZ Medizinische Genetik Mainz
Classification: Uncertain significance for Hirschsprung disease, susceptibility to, 1. Last evaluated: 2025-07-01. Review status: criteria provided, single submitter. Criteria: UK Practice Guidelines For Variant Classification V4 01 2020. Collection method: clinical testing. Allele origin: germline. Inheritance: Autosomal dominant inheritance. Affected: yes. Observed: 1 variant allele.
Comment: ACMG Criteria: PM2_SUP,PM4_SUP,PP4

NM_020975.6(RET):c.247AAC[1] (p.Asn84del)

Gene: RET (ret proto-oncogene; plus strand). Cytogenetic location: 10q11.21.
Variant type: Microsatellite.
Coding change: c.247AAC[1] on transcript NM_020975.6 (MANE Select); one copy of the 3-base unit AAC starting at c.247; the reference has two copies in a row; one copy, 3 bases deleted.
Protein change: p.Asn84del; deletes asparagine 84.
Molecular consequence: inframe deletion. On other transcripts: intron variant (4).
Genome position (GRCh38, 1-based): chr10:43,100,635-43,100,637, AAC deleted; deleting any 3 consecutive bases within chr10:43,100,632-43,100,637 gives the same sequence; the position shown is the placement nearest the transcript's 3' end. VCF-style (leftmost placement, unchanged base first): chr10-43100631-GAAC-G. GRCh37 (hg19) VCF-style: chr10-43596079-GAAC-G.
Other names: c.247AAC[1], p.Asn84del (NM_001406743.1, NM_001406744.1, NM_001406759.1 and 32 more transcripts); c.74-8396_74-8394del (NM_001406784.1); c.74-11464_74-11462del (NM_001406794.1, NM_001406792.1, NM_001406793.1); short protein forms N84del.
Identifiers: ClinVar variation 4072219 (VCV004072219.1).